The following is an entry in ClinVar:

ClinVar aggregate classification (germline): Pathogenic (1 of 4 stars; one submission).

Conditions:
Tuberous sclerosis 1 (TSC1). Identifiers: Orphanet 805, MedGen C1854465, MONDO:0008612, OMIM 191100.

Submission:

Myriad Genetics, Inc.
Classification: Pathogenic for Tuberous sclerosis 1. Last evaluated: 2023-04-27. Review status: criteria provided, single submitter. Criteria: Myriad Autosomal Dominant, Autosomal Recessive and X-Linked Classification Criteria (2023). Collection method: clinical testing. Allele origin: unknown.
Comment: This variant is considered pathogenic. This variant creates a frameshift predicted to result in premature protein truncation.

NM_000368.5(TSC1):c.2453del (p.Asn818fs)

Gene: TSC1 (TSC complex subunit 1; minus strand). Cytogenetic location: 9q34.13.
Variant type: Deletion.
Coding change: c.2453del on transcript NM_000368.5 (MANE Select); coding-DNA position 2453, one base deleted (A; older notation c.2453delA).
Protein change: p.Asn818fs; shifts the reading frame from asparagine 818.
Molecular consequence: frameshift variant. On other transcripts: non-coding transcript variant (5).
Genome position (GRCh38, 1-based): chr9:132,901,638, T deleted on the plus strand (A on the coding strand, the reverse complement: TSC1 is on the minus strand); the first of 2 consecutive T bases (chr9:132,901,638-132,901,639); deleting either gives the same sequence. VCF-style (leftmost placement, unchanged base first): chr9-132901637-GT-G. GRCh37 (hg19) VCF-style: chr9-135777024-GT-G.
Other names: c.2450del, p.Asn817fs (NM_001162426.2, NM_001406597.1, NM_001406598.1 and 4 more transcripts); c.2300del, p.Asn767fs (NM_001162427.2, NM_001406610.1); c.2090del, p.Asn697fs (NM_001362177.2, NM_001406614.1, NM_001406615.1 and 5 more transcripts); c.2453del, p.Asn818fs (NM_001406592.1, NM_001406593.1, NM_001406594.1 and 5 more transcripts); c.2438del, p.Asn813fs (NM_001406601.1, NM_001406602.1); c.2435del, p.Asn812fs (NM_001406603.1, NM_001406604.1); c.2297del, p.Asn766fs (NM_001406611.1, NM_001406612.1, NM_001406613.1); c.2087del, p.Asn696fs (NM_001406620.1, NM_001406621.1, NM_001406622.1 and 2 more transcripts); and 3 more; short protein forms N467fs, N500fs, N501fs, N696fs, N697fs, N766fs, N767fs, N812fs.
Identifiers: ClinVar variation 2583803 (VCV002583803.2), dbSNP rs2538574778, ClinGen allele CA2582342666.